The following is an entry in ClinVar:

ClinVar aggregate classification (germline): Uncertain significance. Review status: criteria provided, multiple submitters, no conflicts (2 of 4 stars). 2 submissions from 2 submitters: Uncertain significance (2). Last evaluated 2025-04-15.

Conditions:
Hereditary spastic paraplegia 50 (SPG50). Also called: Spastic paraplegia 50, autosomal recessive. Identifiers: Orphanet 280763, MedGen C2752008, MONDO:0013048, OMIM 612936.
Inborn genetic diseases. Identifiers: MedGen C0950123, MeSH D030342.

Allele frequency attached by ClinVar (database versions not stated): ExAC 0.00001; ESP Exome Variant Server 0.00008.
gnomAD v4.1: 121 of 1,613,918 alleles (0.0075%); highest among the groups gnomAD compares: Non-Finnish European, 0.01%; no homozygotes.

Submissions (2):

Ambry Genetics
Classification: Uncertain significance for Inborn genetic diseases. Last evaluated: 2025-04-15. Review status: criteria provided, single submitter. Criteria: Ambry Variant Classification Scheme 2023. Collection method: clinical testing. Allele origin: germline.

Labcorp Genetics (formerly Invitae), Labcorp
Classification: Uncertain significance for Hereditary spastic paraplegia 50. Last evaluated: 2022-06-03. Review status: criteria provided, single submitter. Criteria: Invitae Variant Classification Sherloc (09022015). Collection method: clinical testing. Allele origin: germline.
Comment: This sequence change replaces leucine, which is neutral and non-polar, with valine, which is neutral and non-polar, at codon 82 of the AP4M1 protein (p.Leu82Val). This variant is present in population databases (rs150400480, gnomAD 0.002%). This variant has not been reported in the literature in individuals affected with AP4M1-related conditions. Algorithms developed to predict the effect of missense changes on protein structure and function are either unavailable or do not agree on the potential impact of this missense change (SIFT: "Deleterious"; PolyPhen-2: "Possibly Damaging"; Align-GVGD: "Class C0"). In summary, the available evidence is currently insufficient to determine the role of this variant in disease. Therefore, it has been classified as a Variant of Uncertain Significance.

NM_004722.4(AP4M1):c.244C>G (p.Leu82Val)

Gene: AP4M1 (adaptor related protein complex 4 subunit mu 1; plus strand). Cytogenetic location: 7q22.1.
Variant type: single nucleotide variant.
Coding change: c.244C>G on transcript NM_004722.4 (MANE Select); coding-DNA position 244, C replaced by G.
Protein change: p.Leu82Val; replaces leucine 82 with valine.
Molecular consequence: missense variant.
Genome position (GRCh38, 1-based): chr7:100,102,771, C>G. VCF-style: chr7-100102771-C-G. GRCh37 (hg19) VCF-style: chr7-99700394-C-G.
Other names: c.265C>G, p.Leu89Val (NM_001363671.2); c.244C>G (NM_004722.3); short protein forms L89V, L82V.
Identifiers: ClinVar variation 2154910 (VCV002154910.2), dbSNP rs150400480, ClinGen allele CA4374518.
Genomic context (GRCh38, chr7:100,102,771, plus strand): 5'-AGCGGCCTCTATTTGGTGGTCACAACTTCAGAAAACGTTTCTCCCTTCAGCCTCCTAGAA[C>G]TGCTCTCCAGGTGAGGAGGGTTGGGCTGGGCACCTGGTAGCTAGGAGGGGTCTGAGAGGA-3'
Protein context (NP_004713.2, residues 72-92): ENVSPFSLLE[Leu82Val]LSRLATLLGD